The following is an entry in ClinVar:

ClinVar aggregate classification (germline): Uncertain significance. Review status: criteria provided, multiple submitters, no conflicts (2 of 4 stars). 2 submissions from 2 submitters: Uncertain significance (2). Last evaluated 2022-08-10.

Conditions:
Chédiak-Higashi syndrome (CHS). Also called: Chediak-Higashi Syndrome. Identifiers: Orphanet 167, MedGen C0007965, MONDO:0008963, OMIM 214500.

Allele frequency attached by ClinVar (database versions not stated): gnomAD exomes below 0.00001; ExAC 0.00001; gnomAD 0.00001; TOPMed 0.00001.
gnomAD v4.1: 8 of 1,595,120 alleles (0.0005%); highest among the groups gnomAD compares: Admixed American, 0.0034%; no homozygotes.

Submissions (2):

Labcorp Genetics (formerly Invitae), Labcorp
Classification: Uncertain significance for Chédiak-Higashi syndrome. Last evaluated: 2022-08-10. Review status: criteria provided, single submitter. Criteria: Invitae Variant Classification Sherloc (09022015). Collection method: clinical testing. Allele origin: germline.
Comment: This sequence change replaces isoleucine, which is neutral and non-polar, with threonine, which is neutral and polar, at codon 1712 of the LYST protein (p.Ile1712Thr). This variant is present in population databases (rs752586942, gnomAD 0.003%). This variant has not been reported in the literature in individuals affected with LYST-related conditions. ClinVar contains an entry for this variant (Variation ID: 1397909). Algorithms developed to predict the effect of missense changes on protein structure and function are either unavailable or do not agree on the potential impact of this missense change (SIFT: "Deleterious"; PolyPhen-2: "Benign"; Align-GVGD: "Class C0"). In summary, the available evidence is currently insufficient to determine the role of this variant in disease. Therefore, it has been classified as a Variant of Uncertain Significance.

Fulgent Genetics
Classification: Uncertain significance for Chédiak-Higashi syndrome. Last evaluated: 2021-07-27. Review status: criteria provided, single submitter. Criteria: ACMG Guidelines, 2015. Collection method: clinical testing. Allele origin: unknown.

NM_000081.4(LYST):c.5135T>C (p.Ile1712Thr)

Gene: LYST (lysosomal trafficking regulator; minus strand). Cytogenetic location: 1q42.3.
Variant type: single nucleotide variant.
Coding change: c.5135T>C on transcript NM_000081.4 (MANE Select); coding-DNA position 5135, T replaced by C.
Protein change: p.Ile1712Thr; replaces isoleucine 1712 with threonine.
Molecular consequence: missense variant.
Genome position (GRCh38, 1-based): chr1:235,780,944, A>G on the plus strand (T>C on the coding strand, the complement: LYST is on the minus strand). VCF-style: chr1-235780944-A-G. GRCh37 (hg19) VCF-style: chr1-235944244-A-G.
Other names: c.5135T>C, p.Ile1712Thr (NM_001301365.1); short protein forms I1712T.
Identifiers: ClinVar variation 1397909 (VCV001397909.4), dbSNP rs752586942, ClinGen allele CA1466688.